The following is an entry in ClinVar:

NM_003491.4(NAA10):c.471+4del

Gene: NAA10 (N-alpha-acetyltransferase 10, NatA catalytic subunit; minus strand). Cytogenetic location: Xq28.
Variant type: Deletion.
Coding change: c.471+4del on transcript NM_003491.4 (MANE Select); 4 bases into the intron after coding-DNA position 471, one base deleted (A; older notation c.471+4delA).
Molecular consequence: intron variant.
Genome position (GRCh38, 1-based): chrX:153,930,759, T deleted on the plus strand (A on the coding strand, the reverse complement: NAA10 is on the minus strand); the first of 2 consecutive T bases (chrX:153,930,759-153,930,760); deleting either gives the same sequence. VCF-style (leftmost placement, unchanged base first): chrX-153930758-CT-C. GRCh37 (hg19) VCF-style: chrX-153196211-CT-C.
Other names: c.453+4del (NM_001256120.2); c.426+4del (NM_001256119.2).
Identifiers: ClinVar variation 2017322 (VCV002017322.4), dbSNP rs2521324145, ClinGen allele CA2579734287.

ClinVar aggregate classification (germline): Uncertain significance (1 of 4 stars; one submission).

Submission:

Labcorp Genetics (formerly Invitae), Labcorp
Classification: Uncertain significance. Last evaluated: 2023-09-10. Review status: criteria provided, single submitter. Criteria: Invitae Variant Classification Sherloc (09022015). Collection method: clinical testing. Allele origin: germline.
Comment: This variant has not been reported in the literature in individuals affected with NAA10-related conditions. This sequence change falls in intron 7 of the NAA10 gene. It does not directly change the encoded amino acid sequence of the NAA10 protein. It affects a nucleotide within the consensus splice site. This variant is not present in population databases (gnomAD no frequency). ClinVar contains an entry for this variant (Variation ID: 2017322). Variants that disrupt the consensus splice site are a relatively common cause of aberrant splicing (PMID: 17576681, 9536098). Algorithms developed to predict the effect of sequence changes on RNA splicing suggest that this variant may create or strengthen a splice site. In summary, the available evidence is currently insufficient to determine the role of this variant in disease. Therefore, it has been classified as a Variant of Uncertain Significance.

Literature cited by the submitters: PubMed 17576681; PubMed 9536098.